The following is an entry in ClinVar:

NM_005027.4(PIK3R2):c.564C>G (p.Pro188=)

Genes: PIK3R2 (phosphoinositide-3-kinase regulatory subunit 2; plus strand), LOC130063979 (ATAC-STARR-seq lymphoblastoid silent region 10375; plus strand). Cytogenetic location: 19p13.11.
Variant type: single nucleotide variant.
Coding change: c.564C>G on transcript NM_005027.4 (MANE Select); coding-DNA position 564, C replaced by G.
Protein change: p.Pro188=; no amino-acid change (proline 188 retained).
Molecular consequence: synonymous variant. On other transcripts: non-coding transcript variant (2).
Genome position (GRCh38, 1-based): chr19:18,161,151, C>G. VCF-style: chr19-18161151-C-G. GRCh37 (hg19) VCF-style: chr19-18271961-C-G.
Identifiers: ClinVar variation 717690 (VCV000717690.12), dbSNP rs756748269, ClinGen allele CA9306794.

ClinVar aggregate classification (germline): Likely benign. Review status: criteria provided, single submitter (1 of 4 stars). 2 submissions from 2 submitters: Likely benign (1). 1 of the submissions does not count toward it. Last evaluated 2024-09-05.

Conditions:
PIK3R2-related disorder. Also called: PIK3R2-related condition.
Megalencephaly-polymicrogyria-postaxial polydactyly-hydrocephalus syndrome. Also called: MPPH Syndrome; MEG-PMG-MEGACC SYNDROME. Identifiers: Orphanet 83473, MedGen C1863924, MONDO:0019375.

Allele frequency attached by ClinVar (database versions not stated): gnomAD exomes 0.00005; ExAC 0.00006; TOPMed 0.00016.
gnomAD v4.1: 163 of 1,551,216 alleles (0.011%); highest among the groups gnomAD compares: African/African-American, 0.027%; 1 homozygote.

Submissions (2):

Labcorp Genetics (formerly Invitae), Labcorp
Classification: Likely benign for Megalencephaly-polymicrogyria-postaxial polydactyly-hydrocephalus syndrome. Last evaluated: 2024-09-05. Review status: criteria provided, single submitter. Criteria: Invitae Variant Classification Sherloc (09022015). Collection method: clinical testing. Allele origin: germline.

PreventionGenetics, part of Exact Sciences
Classification: Likely benign for PIK3R2-related condition. Last evaluated: 2019-07-16. Review status: no assertion criteria provided. Collection method: clinical testing. Allele origin: germline. Not counted in ClinVar's aggregate classification.
Comment: This variant is classified as likely benign based on ACMG/AMP sequence variant interpretation guidelines (Richards et al. 2015 PMID: 25741868, with internal and published modifications).